The following continues an entry in ClinVar:

NM_000402.4(G6PD):c.653C>T (p.Ser218Phe)

Gene: G6PD. ClinVar aggregate classification (germline): Pathogenic/Likely pathogenic. Pathogenic (50); Likely pathogenic (7).

Submissions 36 to 56 of 71:

Centre of Medical Genetics, University Hospital Muenster
Classification: Likely pathogenic. Last evaluated: 2023-03-28. Review status: criteria provided, single submitter. Criteria: ACMG Guidelines, 2015. Collection method: clinical testing. Allele origin: unknown. Affected: yes. Observed: 1 variant allele, 1 homozygote.
Comment: ACMG categories: PS3,PM1,PP3,PP5,BP1

Department of Pathology and Laboratory Medicine, Sinai Health System
Classification: Pathogenic for Anemia, nonspherocytic hemolytic, due to G6PD deficiency. Last evaluated: 2023-02-27. Review status: criteria provided, single submitter. Criteria: ACMG Guidelines, 2015. Collection method: research. Allele origin: germline.

Illumina Laboratory Services, Illumina
Classification: Pathogenic for G6PD deficiency. Last evaluated: 2023-01-18. Review status: criteria provided, single submitter. Criteria: ICSLVariantClassificationCriteria RUGD 01 April 2020. Collection method: clinical testing. Allele origin: unknown.
Comment: The G6PD c.563C>T (p.Ser188Phe) missense variant, also referred to as G6PD Mediterranean, results in the substitution of serine at amino acid position 188 with phenylalanine. Across a selection of the available literature, the variant has been identified in a homozygous state in six probands, in a hemizygous state in 109 probands and in a heterozygous state in 25 probands (PMID: 19594365; 22906047; 23479361; 24460025; 24586352). The c.563C>T variant was reported in seven of 42 controls in a presumed heterozygous state and is reported at a frequency of 0.017450 in the South Asian population of the Genome Aggregation Database. The c.563C>T variant resulted in 0-7% residual enzyme activity in red blood cells compared to wild type and caused decreased thermostability and reduced catalytic activity (PMID: 3393536). Based on the collective evidence, the c.563C>T (p.Ser188Phe) variant is classified as pathogenic for glucose-6-phosphate dehydrogenase deficiency.

Dubai Health Genomic Medicine Center, Dubai Health
Classification: Pathogenic. Last evaluated: 2022-12-17. Review status: criteria provided, single submitter. Criteria: ACMG Guidelines, 2015. Collection method: clinical testing. Allele origin: germline. Affected: yes.

Dunham Lab, University of Washington
Classification: Pathogenic for Anemia, nonspherocytic hemolytic, due to G6PD deficiency. Last evaluated: 2022-08-12. Review status: criteria provided, single submitter. Criteria: Bayesian ACMG Guidelines, 2018. Collection method: curation. Allele origin: maternal. Affected: yes.
Comment: Variant found in unrelated hemizygotes with deficiency, many with anemia, jaundice, and favism, and some with CNSHA (PS4_M, PP4). Phenotype transmitted with variant from mother to son (PP1). Decreased activity in red blood cells (0-33%) (PS3). Predicted to be deleterious by REVEL and SIFT (PP3). Reported as pathogenic by multiple clinical testing groups (PP5). Not found in gnomAD (PM2). Post_P 0.994 (odds of pathogenicity 1516, Prior_P 0.1).

MGZ Medical Genetics Center
Classification: Pathogenic for Anemia, nonspherocytic hemolytic, due to G6PD deficiency. Last evaluated: 2022-08-02. Review status: criteria provided, single submitter. Criteria: ACMG Guidelines, 2015. Collection method: clinical testing. Allele origin: germline. Affected: yes. Observed: 4 variant alleles.
Comment: ACMG criteria applied: PS3, PS4, PP3, PP4

Institute of Immunology and Genetics Kaiserslautern
Classification: Pathogenic for Anemia, nonspherocytic hemolytic, due to G6PD deficiency. Last evaluated: 2022-07-27. Review status: criteria provided, single submitter. Criteria: ACMG Guidelines, 2015. Collection method: clinical testing. Allele origin: maternal.
Comment: ACMG Criteria: PS3, PS4, PP3, PP5; Variant was found in hemizygous state.

GeneDx
Classification: Pathogenic. Last evaluated: 2022-05-05. Review status: criteria provided, single submitter. Criteria: GeneDx Variant Classification Process June 2021. Collection method: clinical testing. Allele origin: germline. Affected: yes.
Comment: Published functional studies demonstrate decreased enzyme activity in circulating erythrocytes, increased affinity for G6P, and decreased in vitro thermostability (Vulliamy et al., 1998); In silico analysis, which includes protein predictors and evolutionary conservation, supports a deleterious effect; This variant is associated with the following publications: (PMID: 23479361, 27535533, 31152693, 33413378, 31322791, 24460025, 3393536, 27884173, 19594365, 24586352, 1978555, 25548459, 28492530, 8611726, 28492532, 27853304, 27108201, 30097005, 31863082, 33069889, 31019026, 31980526, 34272389, 34426522, 33072997, 33083013, 30755392, 12215013, 32535712, 32860008, 33726816, 1978554, 22906047)

Genome-Nilou Lab
Classification: Pathogenic for Anemia, nonspherocytic hemolytic, due to G6PD deficiency. Last evaluated: 2021-07-22. Review status: criteria provided, single submitter. Criteria: ACMG Guidelines, 2015. Collection method: clinical testing. Allele origin: germline. Affected: yes.

Institute of Medical Genetics and Applied Genomics, University Hospital Tübingen
Classification: Pathogenic. Last evaluated: 2020-10-23. Review status: criteria provided, single submitter. Criteria: ACMG Guidelines, 2015. Collection method: clinical testing. Allele origin: germline. Inheritance: Unknown mechanism. Affected: yes.

Rady Children's Institute for Genomic Medicine, Rady Children's Hospital San Diego
Classification: Pathogenic for Hemolytic anemia, G6PD deficient (favism). Last evaluated: 2020-04-14. Review status: criteria provided, single submitter. Criteria: ACMG Guidelines, 2015. Collection method: clinical testing. Allele origin: germline. Affected: yes.
Comment: This variant is also known as c.563C>T, p.Ser188Phe (using the alternative transcripts NM_001042351.3 and NM_001360016.2).This alteration has been previously reported as hemizygous change in patients with hemolytic anemia associated with Glucose 6-phosphate deficiency (PMID: 28067620, 24586352, 11445808, 12768444). Functional studies demonstrate decreased enzyme activity in the circulating erythrocytes of individuals with this variant, increased affinity for G6P and decreased in vitro thermostability (PMID: 9342374, 3393536). It is present in the gnomAD population database at a frequency of 0.23% with 471/204697 in heterozygous state, 6/204697 in homozygous state and 256/204697 in hemizygous state. In silico analyses support a deleterious effect of the c.653C>T (p.Ser218Phe) variant on protein function. Based on the available evidence, the c.653C>T (p.Ser218Phe) variant is classified as Pathogenic.

Mendelics
Classification: Pathogenic for Anemia, nonspherocytic hemolytic, due to G6PD deficiency. Last evaluated: 2019-05-28. Review status: criteria provided, single submitter. Criteria: Mendelics Assertion Criteria 2017. Collection method: clinical testing. Allele origin: unknown.

Fulgent Genetics
Classification: Pathogenic for Anemia, nonspherocytic hemolytic, due to G6PD deficiency; Malaria, susceptibility to. Last evaluated: 2018-10-31. Review status: criteria provided, single submitter. Criteria: ACMG Guidelines, 2015. Collection method: clinical testing. Allele origin: unknown.

Eurofins Ntd Llc (ga)
Classification: Pathogenic. Last evaluated: 2017-05-15. Review status: criteria provided, single submitter. Criteria: EGL Classification Definitions. Collection method: clinical testing. Allele origin: germline. Observed: 45 variant alleles, 21 heterozygotes, 7 homozygotes, 15 hemizygotes.

Courtagen Diagnostics Laboratory, Courtagen Life Sciences
Classification: Pathogenic for Hemolytic anemia due to G6PD deficiency. Last evaluated: 2014-02-14. Review status: criteria provided, single submitter. Criteria: Courtagen Life Sciences Classifications. Collection method: clinical testing. Allele origin: germline.

UCLA Clinical Genomics Center, UCLA
Classification: Likely pathogenic for Anemia, nonspherocytic hemolytic, due to G6PD deficiency. Last evaluated: 2013-08-13. Review status: criteria provided, single submitter. Criteria: Lee et al. (JAMA. 2014). Collection method: clinical testing. Allele origin: unknown, germline. Inheritance: X-linked inheritance. Affected: yes. Observed: 2 variant alleles. Study: CES.

CENTOGENE GmbH and LLC - Guiding Precision Medicine
Classification: Pathogenic for G6PD deficient hemolytic anemia. Review status: criteria provided, single submitter. Criteria: ACMG Guidelines, 2015. Collection method: clinical testing. Allele origin: germline. Affected: yes.

CENTOGENE GmbH and LLC - Guiding Precision Medicine
Classification: Pathogenic for Anemia, nonspherocytic hemolytic, due to G6PD deficiency. Review status: criteria provided, single submitter. Criteria: ACMG Guidelines, 2015. Collection method: clinical testing. Allele origin: germline. Affected: yes.

Intergen Genetics and Rare Diseases Diagnosis Center
Classification: Pathogenic for Anemia, nonspherocytic hemolytic, due to G6PD deficiency. Review status: criteria provided, single submitter. Criteria: ACMG Guidelines, 2015. Collection method: clinical testing. Allele origin: maternal. Inheritance: X-linked inheritance. Affected: yes. Observed: 1 hemizygote.

Juno Genomics, Hangzhou Juno Genomics, Inc
Classification: Likely pathogenic for Anemia, nonspherocytic hemolytic, due to G6PD deficiency. Review status: criteria provided, single submitter. Criteria: ACMG Guidelines, 2015. Collection method: clinical testing. Allele origin: germline.
Comment: Absent from controls (or at extremely low frequency if recessive) in Genome Aggregation Database.;The prevalence of the variant in affected individuals is significantly increased compared to the prevalence in controls.;Patient's phenotype or family history is highly specific for a disease with a single genetic etiology.;Well-established in vitro or in vivo functional studies supportive of a damaging effect on the gene or gene product.

Kariminejad - Najmabadi Pathology & Genetics Center
Classification: Pathogenic for Anemia, nonspherocytic hemolytic, due to G6PD deficiency. Review status: criteria provided, single submitter. Criteria: ACMG Guidelines, 2015. Collection method: clinical testing. Allele origin: germline. Affected: no.